The following is an entry in ClinVar:

ClinVar aggregate classification (germline): Likely benign (1 of 4 stars; one submission).

Allele frequency attached by ClinVar (database versions not stated): TOPMed below 0.00001.

Submission:

GeneDx
Classification: Likely benign. Last evaluated: 2017-04-14. Review status: criteria provided, single submitter. Criteria: GeneDx Variant Classification (06012015). Collection method: clinical testing. Allele origin: germline. Affected: yes.
Comment: This variant is considered likely benign or benign based on one or more of the following criteria: it is a conservative change, it occurs at a poorly conserved position in the protein, it is predicted to be benign by multiple in silico algorithms, and/or has population frequency not consistent with disease.

NM_015662.3(IFT172):c.1989C>A (p.Thr663=)

Gene: IFT172 (intraflagellar transport 172; minus strand). Cytogenetic location: 2p23.3.
Variant type: single nucleotide variant.
Coding change: c.1989C>A on transcript NM_015662.3 (MANE Select); coding-DNA position 1989, C replaced by A.
Protein change: p.Thr663=; no amino-acid change (threonine 663 retained).
Molecular consequence: synonymous variant.
Genome position (GRCh38, 1-based): chr2:27,463,130, G>T on the plus strand (C>A on the coding strand, the complement: IFT172 is on the minus strand). VCF-style: chr2-27463130-G-T. GRCh37 (hg19) VCF-style: chr2-27685997-G-T.
Identifiers: ClinVar variation 508882 (VCV000508882.1), dbSNP rs1553329728, ClinGen allele CA425408951.